The following is an entry in ClinVar:

ClinVar aggregate classification (germline): Uncertain significance (1 of 4 stars; one submission).

Conditions:
SEMA3E-related disorder. Also called: SEMA3E-related condition.

Submission:

PreventionGenetics, part of Exact Sciences
Classification: Uncertain significance for SEMA3E-related condition. Last evaluated: 2026-03-03. Review status: criteria provided, single submitter. Criteria: ACMG Guidelines, 2015. Collection method: clinical testing. Allele origin: germline.
Comment: The SEMA3E c.1573G>T variant is predicted to result in the amino acid substitution p.Ala525Ser. To our knowledge, this variant has not been reported in the literature or in a large population database (gnomAD), indicating this variant is rare. At this time, the clinical significance of this variant is uncertain due to the absence of conclusive functional and genetic evidence.

NM_012431.3(SEMA3E):c.1573G>T (p.Ala525Ser)

Gene: SEMA3E (semaphorin 3E; minus strand). Cytogenetic location: 7q21.11.
Variant type: single nucleotide variant.
Coding change: c.1573G>T on transcript NM_012431.3 (MANE Select); coding-DNA position 1573, G replaced by T.
Protein change: p.Ala525Ser; replaces alanine 525 with serine.
Molecular consequence: missense variant.
Genome position (GRCh38, 1-based): chr7:83,392,649, C>A on the plus strand (G>T on the coding strand, the complement: SEMA3E is on the minus strand). VCF-style: chr7-83392649-C-A. GRCh37 (hg19) VCF-style: chr7-83021965-C-A.
Other names: c.1393G>T, p.Ala465Ser (NM_001178129.2); short protein forms A465S, A525S.
Identifiers: ClinVar variation 4995011 (VCV004995011.1).